The following is an entry in ClinVar:

NM_206933.4(USH2A):c.7411C>T (p.Leu2471Phe)

Gene: USH2A (usherin; minus strand). Cytogenetic location: 1q41.
Variant type: single nucleotide variant.
Coding change: c.7411C>T on transcript NM_206933.4 (MANE Select); coding-DNA position 7411, C replaced by T.
Protein change: p.Leu2471Phe; replaces leucine 2471 with phenylalanine.
Molecular consequence: missense variant.
Genome position (GRCh38, 1-based): chr1:215,900,795, G>A on the plus strand (C>T on the coding strand, the complement: USH2A is on the minus strand). VCF-style: chr1-215900795-G-A. GRCh37 (hg19) VCF-style: chr1-216074137-G-A.
Other names: short protein forms L2471F.
Identifiers: ClinVar variation 851496 (VCV000851496.7), dbSNP rs775824145, ClinGen allele CA1394859.

ClinVar aggregate classification (germline): Uncertain significance. Review status: criteria provided, single submitter (1 of 4 stars). 2 submissions from 2 submitters: Uncertain significance (1). 1 of the submissions does not count toward it. Last evaluated 2021-09-07.

Conditions:
Usher syndrome type 2A. Also called: RETINAL DISEASE IN USHER SYNDROME TYPE IIA, MODIFIER OF; USHER SYNDROME, TYPE IIA. Identifiers: Orphanet 231178, Orphanet 886, MedGen C1848634, MONDO:0010169, OMIM 276901.

Allele frequency attached by ClinVar (database versions not stated): TOPMed below 0.00001; ExAC 0.00001; gnomAD 0.00001; gnomAD exomes 0.00001.
gnomAD v4.1: 17 of 1,613,672 alleles (0.0011%); highest among the groups gnomAD compares: Admixed American, 0.0017%; no homozygotes.

Submissions (2):

Labcorp Genetics (formerly Invitae), Labcorp
Classification: Uncertain significance. Last evaluated: 2021-09-07. Review status: criteria provided, single submitter. Criteria: Invitae Variant Classification Sherloc (09022015). Collection method: clinical testing. Allele origin: germline.
Comment: This sequence change replaces leucine with phenylalanine at codon 2471 of the USH2A protein (p.Leu2471Phe). The leucine residue is highly conserved and there is a small physicochemical difference between leucine and phenylalanine. This variant is present in population databases (rs775824145, ExAC 0.001%). This variant has not been reported in the literature in individuals affected with USH2A-related conditions. Algorithms developed to predict the effect of missense changes on protein structure and function are either unavailable or do not agree on the potential impact of this missense change (SIFT: "Deleterious"; PolyPhen-2: "Probably Damaging"; Align-GVGD: "Class C15"). In summary, the available evidence is currently insufficient to determine the role of this variant in disease. Therefore, it has been classified as a Variant of Uncertain Significance.

Natera, Inc.
Classification: Uncertain significance for Usher syndrome type 2A. Last evaluated: 2020-09-16. Review status: no assertion criteria provided. Collection method: clinical testing. Allele origin: germline. Not counted in ClinVar's aggregate classification.